The following is an entry in ClinVar:

NM_004304.5(ALK):c.2919G>A (p.Met973Ile)

Gene: ALK (ALK receptor tyrosine kinase; minus strand). Cytogenetic location: 2p23.2.
Variant type: single nucleotide variant.
Coding change: c.2919G>A on transcript NM_004304.5 (MANE Select); coding-DNA position 2919, G replaced by A.
Protein change: p.Met973Ile; replaces methionine 973 with isoleucine.
Molecular consequence: missense variant.
Genome position (GRCh38, 1-based): chr2:29,227,070, C>T on the plus strand (G>A on the coding strand, the complement: ALK is on the minus strand). VCF-style: chr2-29227070-C-T. GRCh37 (hg19) VCF-style: chr2-29449936-C-T.
Other names: short protein forms M973I.
Identifiers: ClinVar variation 1474208 (VCV001474208.8), dbSNP rs2148178726, ClinGen allele CA346468137.
Genomic context (GRCh38, chr2:29,227,070, plus strand): 5'-GTCTACCTCACAGTGACTGCAGTTTAGATAATGCTTAATATTCACTTCCCCGTGGCCTTC[C>T]ATCACTAGTGACAAGGAGGGAGGGTCAGTCTTGGGCCGAGCCTGCCTCCCCACTCCCAGC-3'
Protein context (NP_004295.2, residues 963-983): GILYTPALKV[Met973Ile]EGHGEVNIKH

ClinVar aggregate classification (germline): Uncertain significance (1 of 4 stars; one submission).

Conditions:
Neuroblastoma, susceptibility to, 3. Also called: ALK-Related Neuroblastic Tumor Susceptibility. Identifiers: Orphanet 635, MedGen C2751681, MONDO:0013083, OMIM 613014.

Submission:

Labcorp Genetics (formerly Invitae), Labcorp
Classification: Uncertain significance for Neuroblastoma, susceptibility to, 3. Last evaluated: 2024-01-02. Review status: criteria provided, single submitter. Criteria: Invitae Variant Classification Sherloc (09022015). Collection method: clinical testing. Allele origin: germline.
Comment: This sequence change replaces methionine, which is neutral and non-polar, with isoleucine, which is neutral and non-polar, at codon 973 of the ALK protein (p.Met973Ile). This variant is not present in population databases (gnomAD no frequency). This variant has not been reported in the literature in individuals affected with ALK-related conditions. ClinVar contains an entry for this variant (Variation ID: 1474208). An algorithm developed to predict the effect of missense changes on protein structure and function (PolyPhen-2) suggests that this variant is likely to be tolerated. In summary, the available evidence is currently insufficient to determine the role of this variant in disease. Therefore, it has been classified as a Variant of Uncertain Significance.